The following is an entry in ClinVar:

ClinVar aggregate classification (germline): Uncertain significance (1 of 4 stars; one submission).

gnomAD v4.1: 1 of 1,613,828 alleles (0.000062%); highest among the groups gnomAD compares: Middle Eastern, 0.016%; no homozygotes.

Submission:

Labcorp Genetics (formerly Invitae), Labcorp
Classification: Uncertain significance. Last evaluated: 2025-08-08. Review status: criteria provided, single submitter. Criteria: Invitae Variant Classification Sherloc (09022015). Collection method: clinical testing. Allele origin: germline.
Comment: This sequence change replaces methionine, which is neutral and non-polar, with isoleucine, which is neutral and non-polar, at codon 332 of the DDX41 protein (p.Met332Ile). This variant is not present in population databases (gnomAD no frequency). This variant has not been reported in the literature in individuals affected with DDX41-related conditions. An algorithm developed to predict the effect of missense changes on protein structure and function (PolyPhen-2) suggests that this variant is likely to be tolerated. In summary, the available evidence is currently insufficient to determine the role of this variant in disease. Therefore, it has been classified as a Variant of Uncertain Significance.

NM_016222.4(DDX41):c.996G>C (p.Met332Ile)

Gene: DDX41 (DEAD-box helicase 41; minus strand). Cytogenetic location: 5q35.3.
Variant type: single nucleotide variant.
Coding change: c.996G>C on transcript NM_016222.4 (MANE Select); coding-DNA position 996, G replaced by C.
Protein change: p.Met332Ile; replaces methionine 332 with isoleucine.
Molecular consequence: missense variant.
Genome position (GRCh38, 1-based): chr5:177,513,787, C>G on the plus strand (G>C on the coding strand, the complement: DDX41 is on the minus strand). VCF-style: chr5-177513787-C-G. GRCh37 (hg19) VCF-style: chr5-176940788-C-G.
Other names: c.618G>C, p.Met206Ile (NM_001321732.2, NM_001321830.2); short protein forms M206I, M332I.
Identifiers: ClinVar variation 4725036 (VCV004725036.1).